The following is an entry in ClinVar:

ClinVar aggregate classification (germline): Uncertain significance (1 of 4 stars; one submission).

Conditions:
Familial adenomatous polyposis 1 (FAP1). Also called: FAMILIAL ADENOMATOUS POLYPOSIS 1, ATTENUATED; POLYPOSIS, ADENOMATOUS INTESTINAL. Identifiers: MedGen C2713442, MONDO:0021056, OMIM 175100. Disease mechanism: loss of function.

Submission:

Labcorp Genetics (formerly Invitae), Labcorp
Classification: Uncertain significance for Familial adenomatous polyposis 1. Last evaluated: 2025-09-09. Review status: criteria provided, single submitter. Criteria: Invitae Variant Classification Sherloc (09022015). Collection method: clinical testing. Allele origin: germline.
Comment: This sequence change replaces asparagine, which is neutral and polar, with tyrosine, which is neutral and polar, at codon 1113 of the APC protein (p.Asn1113Tyr). This variant is not present in population databases (gnomAD no frequency). This variant has not been reported in the literature in individuals affected with APC-related conditions. Invitae Evidence Modeling of protein sequence and biophysical properties (such as structural, functional, and spatial information, amino acid conservation, physicochemical variation, residue mobility, and thermodynamic stability) indicates that this missense variant is not expected to disrupt APC protein function with a negative predictive value of 95%. In summary, the available evidence is currently insufficient to determine the role of this variant in disease. Therefore, it has been classified as a Variant of Uncertain Significance.

NM_000038.6(APC):c.3337A>T (p.Asn1113Tyr)

Gene: APC (APC regulator of Wnt signaling pathway; plus strand). Cytogenetic location: 5q22.2.
Variant type: single nucleotide variant.
Coding change: c.3337A>T on transcript NM_000038.6 (MANE Select); coding-DNA position 3337, A replaced by T.
Protein change: p.Asn1113Tyr; replaces asparagine 1113 with tyrosine.
Molecular consequence: missense variant. On other transcripts: non-coding transcript variant (2).
Genome position (GRCh38, 1-based): chr5:112,838,931, A>T. VCF-style: chr5-112838931-A-T. GRCh37 (hg19) VCF-style: chr5-112174628-A-T.
Other names: c.3337A>T, p.Asn1113Tyr (NM_001127510.3, NM_001354895.2, NM_001407450.1); c.3283A>T, p.Asn1095Tyr (NM_001127511.3); c.3391A>T, p.Asn1131Tyr (NM_001354896.2, NM_001407447.1, NM_001407448.1 and 1 more transcripts); c.3367A>T, p.Asn1123Tyr (NM_001354897.2); c.3262A>T, p.Asn1088Tyr (NM_001354898.2); c.3253A>T, p.Asn1085Tyr (NM_001354899.2); c.3214A>T, p.Asn1072Tyr (NM_001354900.2); c.3160A>T, p.Asn1054Tyr (NM_001354901.2, NM_001407453.1); and 11 more; short protein forms N1012Y, N1022Y, N1030Y, N1054Y, N1072Y, N1085Y, N1088Y, N1095Y.
Identifiers: ClinVar variation 4801467 (VCV004801467.1).
Genomic context (GRCh38, chr5:112,838,931, plus strand): 5'-TTTGGACAGCAGGAATGTGTTTCTCCATACAGGTCACGGGGAGCCAATGGTTCAGAAACA[A>T]ATCGAGTGGGTTCTAATCATGGAATTAATCAAAATGTAAGCCAGTCTTTGTGTCAAGAAG-3'
Protein context (NP_000029.2, residues 1103-1123): RSRGANGSET[Asn1113Tyr]RVGSNHGINQ